The following is an entry in ClinVar:

NM_002878.4(RAD51D):c.171G>C (p.Leu57=)

Genes: RAD51D (RAD51 paralog D; minus strand), RAD51L3-RFFL (RAD51L3-RFFL readthrough; minus strand). Cytogenetic location: 17q12.
Variant type: single nucleotide variant.
Coding change: c.171G>C on transcript NM_002878.4 (MANE Select); coding-DNA position 171, G replaced by C.
Protein change: p.Leu57=; no amino-acid change (leucine 57 retained).
Molecular consequence: synonymous variant. On other transcripts: intron variant (2).
Genome position (GRCh38, 1-based): chr17:35,118,593, C>G on the plus strand (G>C on the coding strand, the complement: RAD51D is on the minus strand). VCF-style: chr17-35118593-C-G. GRCh37 (hg19) VCF-style: chr17-33445612-C-G.
Other names: c.144+518G>C (NM_133629.3, NM_001142571.2).
Identifiers: ClinVar variation 1643383 (VCV001643383.12), dbSNP rs786202885, ClinGen allele CA290006282.

ClinVar aggregate classification (germline): Benign/Likely benign. Review status: criteria provided, multiple submitters, no conflicts (2 of 4 stars). 4 submissions from 4 submitters: Benign (1); Likely benign (3). Last evaluated 2025-02-20.

Conditions:
Hereditary cancer-predisposing syndrome. Also called: Tumor predisposition; Neoplastic Syndromes, Hereditary; Hereditary Cancer Syndrome; Hereditary neoplastic syndrome. Identifiers: Orphanet 140162, MedGen C0027672, MeSH D009386, MONDO:0015356.
Breast-ovarian cancer, familial, susceptibility to, 4. Identifiers: Orphanet 145, MedGen C3280345, MONDO:0013669, OMIM 614291.

Submissions (4):

Myriad Genetics, Inc.
Classification: Benign for Breast-ovarian cancer, familial, susceptibility to, 4. Last evaluated: 2025-02-20. Review status: criteria provided, single submitter. Criteria: Myriad Autosomal Dominant, Autosomal Recessive and X-Linked Classification Criteria (2023). Collection method: clinical testing. Allele origin: unknown.
Comment: This variant is considered benign. This variant is a silent/synonymous amino acid change and it is not expected to impact splicing.

Color Diagnostics, LLC DBA Color Health
Classification: Likely benign for Hereditary cancer-predisposing syndrome. Last evaluated: 2024-01-22. Review status: criteria provided, single submitter. Criteria: ACMG Guidelines, 2015. Collection method: clinical testing. Allele origin: germline.

Labcorp Genetics (formerly Invitae), Labcorp
Classification: Likely benign for Breast-ovarian cancer, familial, susceptibility to, 4. Last evaluated: 2022-02-20. Review status: criteria provided, single submitter. Criteria: Invitae Variant Classification Sherloc (09022015). Collection method: clinical testing. Allele origin: germline.

Ambry Genetics
Classification: Likely benign for Hereditary cancer-predisposing syndrome. Last evaluated: 2021-02-23. Review status: criteria provided, single submitter. Criteria: Ambry Variant Classification Scheme 2023. Collection method: clinical testing. Allele origin: germline.